The following is an entry in ClinVar:

ClinVar aggregate classification (germline): Uncertain significance (1 of 4 stars; one submission).

Submission:

CeGaT Center for Human Genetics Tuebingen
Classification: Uncertain significance. Last evaluated: 2026-02-01. Review status: criteria provided, single submitter. Criteria: CeGaT Center For Human Genetics Tuebingen Variant Classification Criteria Version 2. Collection method: clinical testing. Allele origin: germline. Affected: yes. Observed: 1 variant allele.
Comment: RFX7: PM2, BP4

NM_022841.7(RFX7):c.2309A>C (p.Asp770Ala)

Gene: RFX7 (regulatory factor X7; minus strand). Cytogenetic location: 15q21.3.
Variant type: single nucleotide variant.
Coding change: c.2309A>C on transcript NM_022841.7 (MANE Select); coding-DNA position 2309, A replaced by C.
Protein change: p.Asp770Ala; replaces aspartic acid 770 with alanine.
Molecular consequence: missense variant.
Genome position (GRCh38, 1-based): chr15:56,095,419, T>G on the plus strand (A>C on the coding strand, the complement: RFX7 is on the minus strand). VCF-style: chr15-56095419-T-G. GRCh37 (hg19) VCF-style: chr15-56387617-T-G.
Other names: c.2018A>C, p.Asp673Ala (NM_001368073.2, NM_001368074.1, NM_001370554.1); c.2309A>C, p.Asp770Ala (NM_001370561.1); short protein forms D673A, D770A.
Identifiers: ClinVar variation 4821845 (VCV004821845.4).